The following is an entry in ClinVar:

NM_000088.4(COL1A1):c.1156-4A>G

Gene: COL1A1 (collagen type I alpha 1 chain; minus strand). Cytogenetic location: 17q21.33.
Variant type: single nucleotide variant.
Coding change: c.1156-4A>G on transcript NM_000088.4 (MANE Select); 4 bases into the intron before coding-DNA position 1156, A replaced by G.
Molecular consequence: intron variant.
Genome position (GRCh38, 1-based): chr17:50,195,482, T>C on the plus strand (A>G on the coding strand, the complement: COL1A1 is on the minus strand). VCF-style: chr17-50195482-T-C. GRCh37 (hg19) VCF-style: chr17-48272843-T-C.
Other names: p.?; c.1156-4A>G (NM_000088.3).
Identifiers: ClinVar variation 2812280 (VCV002812280.7), dbSNP rs954564659, ClinGen allele CA291546812.

ClinVar aggregate classification (germline): Conflicting classifications of pathogenicity. Review status: criteria provided, conflicting classifications (1 of 4 stars). 4 submissions from 4 submitters: Uncertain significance (1); Likely benign (3). Last evaluated 2025-08-30.

Conditions:
Cardiovascular phenotype. Identifiers: MedGen CN230736.
Osteogenesis imperfecta type I (OI1). Also called: Lobstein disease; Classic Non-deforming Osteogenesis Imperfecta with Blue Sclerae; OI, TYPE I; OSTEOGENESIS IMPERFECTA TARDA; OSTEOGENESIS IMPERFECTA WITH BLUE SCLERAE; Osteogenesis imperfecta type 1. Identifiers: Orphanet 216796, Orphanet 666, MedGen C0023931, MONDO:0008146, OMIM 166200. Disease mechanism: loss of function.

gnomAD v4.1: 13 of 1,613,876 alleles (0.00081%); highest among the groups gnomAD compares: Non-Finnish European, 0.0011%; no homozygotes.

Submissions (4):

Labcorp Genetics (formerly Invitae), Labcorp
Classification: Likely benign for Osteogenesis imperfecta type I. Last evaluated: 2025-08-30. Review status: criteria provided, single submitter. Criteria: Invitae Variant Classification Sherloc (09022015). Collection method: clinical testing. Allele origin: germline.

Women's Health and Genetics/Laboratory Corporation of America, LabCorp
Classification: Uncertain significance. Last evaluated: 2025-04-03. Review status: criteria provided, single submitter. Criteria: LabCorp Variant Classification Summary - May 2015. Collection method: clinical testing. Allele origin: germline.
Comment: Variant summary: COL1A1 c.1156-4A>G alters a non-conserved nucleotide located close to a canonical splice site and therefore could affect mRNA splicing, leading to a significantly altered protein sequence. Consensus agreement among computation tools predict no significant impact on normal splicing. However, these predictions have yet to be confirmed by functional studies. The variant allele was found at a frequency of 4e-06 in 251470 control chromosomes. The available data on variant occurrences in the general population are insufficient to allow any conclusion about variant significance. To our knowledge, no occurrence of c.1156-4A>G in individuals affected with Osteogenesis imperfecta type I and no experimental evidence demonstrating its impact on protein function have been reported. ClinVar contains an entry for this variant (Variation ID: 2812280). Based on the evidence outlined above, the variant was classified as uncertain significance.

Mayo Clinic Laboratories, Mayo Clinic
Classification: Likely benign. Last evaluated: 2024-12-05. Review status: criteria provided, single submitter. Criteria: ACMG Guidelines, 2015. Collection method: clinical testing. Allele origin: germline. Observed: 1 variant allele.
Comment: BS1, BP4, BP7

Ambry Genetics
Classification: Likely benign for Cardiovascular phenotype. Last evaluated: 2024-10-24. Review status: criteria provided, single submitter. Criteria: Ambry Variant Classification Scheme 2023. Collection method: clinical testing. Allele origin: germline.